The following is an entry in ClinVar:

NM_052947.4(ALPK2):c.2024A>G (p.Glu675Gly)

Gene: ALPK2 (alpha kinase 2; minus strand). Cytogenetic location: 18q21.31.
Variant type: single nucleotide variant.
Coding change: c.2024A>G on transcript NM_052947.4 (MANE Select); coding-DNA position 2024, A replaced by G.
Protein change: p.Glu675Gly; replaces glutamic acid 675 with glycine.
Molecular consequence: missense variant.
Genome position (GRCh38, 1-based): chr18:58,538,163, T>C on the plus strand (A>G on the coding strand, the complement: ALPK2 is on the minus strand). VCF-style: chr18-58538163-T-C. GRCh37 (hg19) VCF-style: chr18-56205395-T-C.
Other names: short protein forms E675G.
Identifiers: ClinVar variation 1784621 (VCV001784621.2), dbSNP rs2518878230, ClinGen allele CA402571870.

ClinVar aggregate classification (germline): Uncertain significance (1 of 4 stars; one submission).

gnomAD v4.1: 1 of 1,613,824 alleles (0.000062%); no homozygotes.

Submission:

Ambry Genetics
Classification: Uncertain significance. Last evaluated: 2022-06-27. Review status: criteria provided, single submitter. Criteria: Ambry Variant Classification Scheme 2023. Collection method: clinical testing. Allele origin: germline.
Comment: The p.E675G variant (also known as c.2024A>G), located in coding exon 4 of the ALPK2 gene, results from an A to G substitution at nucleotide position 2024. The glutamic acid at codon 675 is replaced by glycine, an amino acid with similar properties. This amino acid position is conserved. In addition, this alteration is predicted to be tolerated by in silico analysis. Since supporting evidence is limited at this time, the clinical significance of this alteration remains unclear.